The following is an entry in ClinVar:

NM_033100.4(CDHR1):c.524dup (p.Asn176fs)

Gene: CDHR1 (cadherin related family member 1; plus strand). Cytogenetic location: 10q23.1.
Variant type: Duplication.
Coding change: c.524dup on transcript NM_033100.4 (MANE Select); coding-DNA position 524, one base duplicated (A; older notation c.524dupA).
Protein change: p.Asn176fs; shifts the reading frame from asparagine 176.
Molecular consequence: frameshift variant.
Genome position (GRCh38, 1-based): chr10:84,200,686, A duplicated. VCF-style (leftmost placement, unchanged base first): chr10-84200685-C-CA. GRCh37 (hg19) VCF-style: chr10-85960441-C-CA.
Other names: NM_033100.4(CDHR1):c.524dup; p.Asn176fs; c.524dup, p.Asn176fs (NM_001171971.3); short protein forms N176fs.
Identifiers: ClinVar variation 18416 (VCV000018416.11), dbSNP rs781781440, ClinGen allele CA5579557.
Genomic context (GRCh38, chr10:84,200,685, plus strand): 5'-TTTAAGGTCCATGCAGTGGACAGGGACACAGGCTCTGGAGGGAGTGTCACCTACTTCCTG[C>CA]AGGTAAGGCAGGACACACAGGACCTAACCTGGGGCTGGGCCGGAGGGGACACCTAGATGG-3'

ClinVar aggregate classification (germline): Pathogenic. Review status: criteria provided, multiple submitters, no conflicts (2 of 4 stars). 5 submissions from 4 submitters: Pathogenic (3). 2 of the submissions do not count toward it. Last evaluated 2024-04-13.

Conditions:
Leber congenital amaurosis (LCA). Also called: Leber's amaurosis. Identifiers: Orphanet 65, MedGen C0339527, MeSH D057130, MONDO:0018998.
Cone-rod dystrophy 15 (CORD15). Identifiers: MedGen C3150912, MONDO:0013348, OMIM 613660.
Retinitis pigmentosa (RP). Identifiers: Orphanet 791, MedGen C0035334, MeSH D012174, MONDO:0019200, OMIM 268000. Inheritance: Autosomal dominant, autosomal recessive and X linked inheritance.

Allele frequency attached by ClinVar (database versions not stated): gnomAD exomes 0.00001; TOPMed 0.00001; ExAC 0.00001; gnomAD 0.00002; ESP Exome Variant Server 0.00008.

Submissions (5):

Labcorp Genetics (formerly Invitae), Labcorp
Classification: Pathogenic. Last evaluated: 2024-04-13. Review status: criteria provided, single submitter. Criteria: Invitae Variant Classification Sherloc (09022015). Collection method: clinical testing. Allele origin: germline.
Comment: This sequence change creates a premature translational stop signal (p.Asn176Glufs*48) in the CDHR1 gene. It is expected to result in an absent or disrupted protein product. Loss-of-function variants in CDHR1 are known to be pathogenic (PMID: 23044944, 23591405, 26103963, 26261414). This variant is present in population databases (rs781781440, gnomAD 0.002%). This premature translational stop signal has been observed in individual(s) with clinical features of retinal dystrophy (PMID: 20805371, 30718709). This variant is also known as p.Q175QfsX47. ClinVar contains an entry for this variant (Variation ID: 18416). For these reasons, this variant has been classified as Pathogenic.

Broad Center for Mendelian Genomics, Broad Institute of MIT and Harvard
Classification: Pathogenic for Cone-rod dystrophy 15. Last evaluated: 2022-05-04. Review status: criteria provided, single submitter. Criteria: ACMG Guidelines, 2015. Collection method: curation. Allele origin: germline. Inheritance: Autosomal recessive inheritance.
Comment: The variant has been reported in at least 6 Faroese individuals with cone-rod dystrophy 15, (PMID: 20805371), segregated with disease in 5 affected relatives from 1 family (PMID: 20805371), and has been identified in 0.004% (1/23338) of African chromosomes by the Genome Aggregation Database (gnomAD; dbSNP ID: rs781781440). Although this variant has been seen in the general population, its frequency is low enough to be consistent with a recessive carrier frequency. This variant has also been reported in ClinVar (Variation ID: 18416) as pathogenic by OMIM and Medical Genetics Laboratory, Kennedy Center, Juliane Marie Center, Rigshospitalet. This variant is predicted to cause a frameshift, which alters the protein’s amino acid sequence beginning at position 176 and leads to a premature termination codon 48 amino acids downstream. This alteration is then predicted to lead to a truncated or absent protein. Loss of function of the CDHR1 gene is a moderately established disease mechanism in autosomal recessive cone-rod dystrophy 15. The presence of this variant in 6 affected homozygotes, and in at least 6 individuals with cone-rod dystrophy 15 increases the likelihood that the p.Asn176GlufsTer48 variant is pathogenic (PMID: 20805371). In summary, this variant meets criteria to be classified as pathogenic for cone-rod dystrophy 15 in an autosomal recessive manner based on the predicted impact of the variant, and its multiple homozygous occurrences in affected individuals and segregation within families. ACMG/AMP Criteria applied: PVS1_strong, PP1_strong, PM2, PM3_supporting (Richards 2015).

Broad Center for Mendelian Genomics, Broad Institute of MIT and Harvard
Classification: Pathogenic for Retinitis pigmentosa. Last evaluated: 2021-04-01. Review status: criteria provided, single submitter. Criteria: ACMG Guidelines, 2015. Collection method: curation. Allele origin: germline. Inheritance: Autosomal recessive inheritance. Affected: yes.
Comment: Through a review of available evidence we were able to apply the following criteria: PVS1, PM2, PM3, PP1. Based on this evidence we have classified this variant as Pathogenic. If you have any questions about the classification please reach out to the Pierce Lab.

Department of Clinical Genetics, Copenhagen University Hospital, Rigshospitalet
Classification: Pathogenic for Leber congenital amaurosis. Last evaluated: 2018-04-01. Review status: no assertion criteria provided. Collection method: research. Allele origin: unknown. Affected: yes. Study: VeluxRD. Not counted in ClinVar's aggregate classification.

OMIM
Classification: Pathogenic for CONE-ROD DYSTROPHY 15. Last evaluated: 2010-10-01. Review status: no assertion criteria provided. Collection method: literature only. Allele origin: germline. Not counted in ClinVar's aggregate classification.

Literature cited by the submitters: PubMed 23044944 (cited by Labcorp Genetics (formerly Invitae), Labcorp); PubMed 23591405 (cited by Labcorp Genetics (formerly Invitae), Labcorp); PubMed 26103963 (cited by Labcorp Genetics (formerly Invitae), Labcorp); PubMed 26261414 (cited by Labcorp Genetics (formerly Invitae), Labcorp); PubMed 20805371 (cited by 3 submitters); PubMed 30718709 (cited by Labcorp Genetics (formerly Invitae), Labcorp and Department of Clinical Genetics, Copenhagen University Hospital, Rigshospitalet); PubMed 34906470 (cited by Broad Center for Mendelian Genomics, Broad Institute of MIT and Harvard).